The following is an entry in ClinVar:

NM_000018.4(ACADVL):c.301T>C (p.Phe101Leu)

Gene: ACADVL (acyl-CoA dehydrogenase very long chain; plus strand). Cytogenetic location: 17p13.1.
Variant type: single nucleotide variant.
Coding change: c.301T>C on transcript NM_000018.4 (MANE Select); coding-DNA position 301, T replaced by C.
Protein change: p.Phe101Leu; replaces phenylalanine 101 with leucine.
Molecular consequence: missense variant.
Genome position (GRCh38, 1-based): chr17:7,220,789, T>C. VCF-style: chr17-7220789-T-C. GRCh37 (hg19) VCF-style: chr17-7124108-T-C.
Other names: c.235T>C, p.Phe79Leu (NM_001033859.3); c.370T>C, p.Phe124Leu (NM_001270447.2); c.73T>C, p.Phe25Leu (NM_001270448.2); short protein forms F25L, F79L, F101L, F124L.
Identifiers: ClinVar variation 1440663 (VCV001440663.5), dbSNP rs759197049, ClinGen allele CA8337645.

ClinVar aggregate classification (germline): Uncertain significance (1 of 4 stars; one submission).

Conditions:
Very long chain acyl-CoA dehydrogenase deficiency (ACADVLD). Also called: Very Long-Chain Acyl-Coenzyme A Dehydrogenase Deficiency; VLCAD Deficiency. Identifiers: Orphanet 26793, MedGen C3887523, MONDO:0008723, OMIM 201475.

Allele frequency attached by ClinVar (database versions not stated): gnomAD 0.00001; gnomAD exomes 0.00001; TOPMed 0.00001; ExAC 0.00002.
gnomAD v4.1: 1 of 1,613,952 alleles (0.000062%); highest among the groups gnomAD compares: African/African-American, 0.0013%; no homozygotes.

Submission:

Labcorp Genetics (formerly Invitae), Labcorp
Classification: Uncertain significance for Very long chain acyl-CoA dehydrogenase deficiency. Last evaluated: 2021-09-02. Review status: criteria provided, single submitter. Criteria: Invitae Variant Classification Sherloc (09022015). Collection method: clinical testing. Allele origin: germline.
Comment: This sequence change replaces phenylalanine with leucine at codon 101 of the ACADVL protein (p.Phe101Leu). The phenylalanine residue is highly conserved and there is a small physicochemical difference between phenylalanine and leucine. This variant is present in population databases (rs759197049, ExAC 0.01%). This variant has not been reported in the literature in individuals affected with ACADVL-related conditions. Algorithms developed to predict the effect of missense changes on protein structure and function (SIFT, PolyPhen-2, Align-GVGD) all suggest that this variant is likely to be tolerated. In summary, the available evidence is currently insufficient to determine the role of this variant in disease. Therefore, it has been classified as a Variant of Uncertain Significance.